The following is an entry in ClinVar:

NM_001903.5(CTNNA1):c.2505A>C (p.Ala835=)

Gene: CTNNA1 (catenin alpha 1; plus strand). Cytogenetic location: 5q31.2.
Variant type: single nucleotide variant.
Coding change: c.2505A>C on transcript NM_001903.5 (MANE Select); coding-DNA position 2505, A replaced by C.
Protein change: p.Ala835=; no amino-acid change (alanine 835 retained).
Molecular consequence: synonymous variant. On other transcripts: 3 prime UTR variant (5).
Genome position (GRCh38, 1-based): chr5:138,933,873, A>C. VCF-style: chr5-138933873-A-C. GRCh37 (hg19) VCF-style: chr5-138269562-A-C.
Other names: c.*50A>C (NM_001290307.3, NM_001324002.1, NM_001324003.1 and 2 more transcripts); c.2196A>C, p.Ala732= (NM_001290309.3); c.2136A>C, p.Ala712= (NM_001290310.3); c.1395A>C, p.Ala465= (NM_001290312.1, NM_001323987.1, NM_001323988.1 and 12 more transcripts); c.2505A>C, p.Ala835= (NM_001323982.2, NM_001323983.1, NM_001323984.2); c.2478A>C, p.Ala826= (NM_001323985.2); c.2412A>C, p.Ala804= (NM_001323986.2); c.1260A>C, p.Ala420= (NM_001324001.1); and 4 more.
Identifiers: ClinVar variation 1150671 (VCV001150671.13), dbSNP rs780046997, ClinGen allele CA446793168.

ClinVar aggregate classification (germline): Benign/Likely benign. Review status: criteria provided, multiple submitters, no conflicts (2 of 4 stars). 4 submissions from 4 submitters: Benign (1); Likely benign (3). Last evaluated 2026-08-19.

Conditions:
Hereditary diffuse gastric adenocarcinoma (HDGC). Also called: DIFFUSE GASTRIC AND LOBULAR BREAST CANCER SYNDROME. Identifiers: Orphanet 26106, MedGen C1708349, MONDO:0007648, OMIM 137215.
CTNNA1-related disorder. Also called: CTNNA1-related condition.
Hereditary cancer-predisposing syndrome. Also called: Hereditary neoplastic syndrome; Hereditary Cancer Syndrome; Tumor predisposition; Neoplastic Syndromes, Hereditary. Identifiers: Orphanet 140162, MedGen C0027672, MeSH D009386, MONDO:0015356.

Allele frequency attached by ClinVar (database versions not stated): TOPMed below 0.00001.

Submissions (4):

PreventionGenetics, part of Exact Sciences
Classification: Likely benign for CTNNA1-related condition. Last evaluated: 2026-08-19. Review status: criteria provided, single submitter. Criteria: ACMG Guidelines, 2015. Collection method: clinical testing. Allele origin: germline.
Comment: This variant is classified as likely benign based on ACMG/AMP sequence variant interpretation guidelines (Richards et al. 2015 PMID: 25741868, with internal and published modifications).

Labcorp Genetics (formerly Invitae), Labcorp
Classification: Likely benign. Last evaluated: 2026-01-16. Review status: criteria provided, single submitter. Criteria: Invitae Variant Classification Sherloc (09022015). Collection method: clinical testing. Allele origin: germline.

Myriad Genetics, Inc.
Classification: Benign for Hereditary diffuse gastric adenocarcinoma. Last evaluated: 2024-10-15. Review status: criteria provided, single submitter. Criteria: Myriad Autosomal Dominant, Autosomal Recessive and X-Linked Classification Criteria (2023). Collection method: clinical testing. Allele origin: unknown.
Comment: This variant is considered benign. This variant is a silent/synonymous amino acid change and it is not expected to impact splicing.

Ambry Genetics
Classification: Likely benign for Hereditary cancer-predisposing syndrome. Last evaluated: 2020-03-15. Review status: criteria provided, single submitter. Criteria: Ambry Variant Classification Scheme 2023. Collection method: clinical testing. Allele origin: germline.